The following is an entry in ClinVar:

ClinVar aggregate classification (germline): Uncertain significance (1 of 4 stars; one submission).

Conditions:
Holocarboxylase synthetase deficiency. Also called: MULTIPLE CARBOXYLASE DEFICIENCY, EARLY ONSET. Identifiers: Orphanet 79242, MedGen C0268581, MONDO:0009666, OMIM 253270.

gnomAD v4.1: 1 of 1,577,502 alleles (0.000063%); highest among the groups gnomAD compares: East Asian, 0.0024%; no homozygotes.

Submission:

Labcorp Genetics (formerly Invitae), Labcorp
Classification: Uncertain significance for Holocarboxylase synthetase deficiency. Last evaluated: 2024-04-03. Review status: criteria provided, single submitter. Criteria: Invitae Variant Classification Sherloc (09022015). Collection method: clinical testing. Allele origin: germline.
Comment: This sequence change replaces tyrosine, which is neutral and polar, with cysteine, which is neutral and slightly polar, at codon 663 of the HLCS protein (p.Tyr663Cys). This variant is present in population databases (rs201069938, gnomAD 0.006%). This missense change has been observed in individual(s) with holocarboxylase synthetase deficiency (Invitae). Advanced modeling of protein sequence and biophysical properties (such as structural, functional, and spatial information, amino acid conservation, physicochemical variation, residue mobility, and thermodynamic stability) performed at Invitae indicates that this missense variant is expected to disrupt HLCS protein function with a positive predictive value of 80%. This variant disrupts the p.Tyr663 amino acid residue in HLCS. Other variant(s) that disrupt this residue have been observed in individuals with HLCS-related conditions (PMID: 18974016), which suggests that this may be a clinically significant amino acid residue. In summary, the available evidence is currently insufficient to determine the role of this variant in disease. Therefore, it has been classified as a Variant of Uncertain Significance.

Literature cited by the submitters: PubMed 18974016.

NM_001352514.2(HLCS):c.2429A>G (p.Tyr810Cys)

Gene: HLCS (holocarboxylase synthetase; minus strand). Cytogenetic location: 21q22.13.
Variant type: single nucleotide variant.
Coding change: c.2429A>G on transcript NM_001352514.2 (MANE Select); coding-DNA position 2429, A replaced by G.
Protein change: p.Tyr810Cys; replaces tyrosine 810 with cysteine.
Molecular consequence: missense variant. On other transcripts: non-coding transcript variant (2).
Genome position (GRCh38, 1-based): chr21:36,756,563, T>C on the plus strand (A>G on the coding strand, the complement: HLCS is on the minus strand). VCF-style: chr21-36756563-T-C. GRCh37 (hg19) VCF-style: chr21-38128864-T-C.
Other names: c.1988A>G, p.Tyr663Cys (NM_000411.8, NM_001242784.3, NM_001242785.2 and 4 more transcripts); short protein forms Y663C, Y810C.
Identifiers: ClinVar variation 3648726 (VCV003648726.1).